The following is an entry in ClinVar:

NM_012424.6(RPS6KC1):c.2470C>A (p.Pro824Thr)

Gene: RPS6KC1 (ribosomal protein S6 kinase C1; plus strand). Cytogenetic location: 1q32.3.
Variant type: single nucleotide variant.
Coding change: c.2470C>A on transcript NM_012424.6 (MANE Select); coding-DNA position 2470, C replaced by A.
Protein change: p.Pro824Thr; replaces proline 824 with threonine.
Molecular consequence: missense variant. On other transcripts: non-coding transcript variant (4).
Genome position (GRCh38, 1-based): chr1:213,241,946, C>A. VCF-style: chr1-213241946-C-A. GRCh37 (hg19) VCF-style: chr1-213415289-C-A.
Other names: c.2434C>A, p.Pro812Thr (NM_001136138.4); c.1834C>A, p.Pro612Thr (NM_001287218.3, NM_001287219.3, NM_001349654.2); c.1075C>A, p.Pro359Thr (NM_001287220.3, NM_001349663.2, NM_001349664.2 and 8 more transcripts); c.1927C>A, p.Pro643Thr (NM_001287221.3, NM_001349648.2, NM_001349649.2 and 4 more transcripts); c.2377C>A, p.Pro793Thr (NM_001349646.2); c.2107C>A, p.Pro703Thr (NM_001349647.2); c.1579C>A, p.Pro527Thr (NM_001349657.2, NM_001349658.2); c.1414C>A, p.Pro472Thr (NM_001349659.2, NM_001349660.2, NM_001349661.2 and 1 more transcripts); short protein forms P527T, P359T, P612T, P703T, P793T, P812T, P472T, P824T.
Identifiers: ClinVar variation 2168649 (VCV002168649.4), dbSNP rs138148824, ClinGen allele CA1387622.
Genomic context (GRCh38, chr1:213,241,946, plus strand): 5'-GTGGTTGAGTCAGCAGTAACTGCAAACAACACAGAAGAAAGCTTATTCCGTATTTGTAGT[C>A]CACTCTCAGGTGCTAATGAATATATTGCAAGCACAGACACTTTAAAAACAGAAGAAGTAT-3'
Protein context (NP_036556.2, residues 814-834): TEESLFRICS[Pro824Thr]LSGANEYIAS

ClinVar aggregate classification (germline): Uncertain significance (1 of 4 stars; one submission).

Allele frequency attached by ClinVar (database versions not stated): 1000 Genomes Project 30x 0.00016; 1000 Genomes Project 0.00020.
gnomAD v4.1: 61 of 1,613,968 alleles (0.0038%); highest among the groups gnomAD compares: Admixed American, 0.028%; no homozygotes.

Submission:

Labcorp Genetics (formerly Invitae), Labcorp
Classification: Uncertain significance. Last evaluated: 2024-06-30. Review status: criteria provided, single submitter. Criteria: Invitae Variant Classification Sherloc (09022015). Collection method: clinical testing. Allele origin: germline.
Comment: This sequence change replaces proline, which is neutral and non-polar, with threonine, which is neutral and polar, at codon 824 of the RPS6KC1 protein (p.Pro824Thr). This variant is present in population databases (rs138148824, gnomAD 0.1%), and has an allele count higher than expected for a pathogenic variant. This variant has not been reported in the literature in individuals affected with RPS6KC1-related conditions. ClinVar contains an entry for this variant (Variation ID: 2168649). An algorithm developed to predict the effect of missense changes on protein structure and function (PolyPhen-2) suggests that this variant is likely to be tolerated. In summary, the available evidence is currently insufficient to determine the role of this variant in disease. Therefore, it has been classified as a Variant of Uncertain Significance.